The following is an entry in ClinVar:

ClinVar aggregate classification (germline): Benign/Likely benign. Review status: criteria provided, multiple submitters, no conflicts (2 of 4 stars). 3 submissions from 3 submitters: Benign (1); Likely benign (1). 1 of the submissions does not count toward it. Last evaluated 2025-12-13.

Conditions:
Neuronal ceroid lipofuscinosis. Also called: Neuronal Ceroid Lipofuscinoses. Identifiers: Orphanet 216, Orphanet 79263, MedGen C0027877, MONDO:0016295. Disease mechanism: loss of function.

Allele frequency attached by ClinVar (database versions not stated): gnomAD exomes 0.00006 and 0.00018; ExAC 0.00007; ESP Exome Variant Server 0.00008; TOPMed 0.00008; gnomAD 0.00019.
gnomAD v4.1: 296 of 1,613,402 alleles (0.018%); highest among the groups gnomAD compares: Non-Finnish European, 0.022%; no homozygotes.

Submissions (3):

Labcorp Genetics (formerly Invitae), Labcorp
Classification: Likely benign for Neuronal ceroid lipofuscinosis. Last evaluated: 2025-12-13. Review status: criteria provided, single submitter. Criteria: Invitae Variant Classification Sherloc (09022015). Collection method: clinical testing. Allele origin: germline.

GeneDx
Classification: Benign. Last evaluated: 2013-09-26. Review status: criteria provided, single submitter. Criteria: GeneDx Variant Classification (06012015). Collection method: clinical testing. Allele origin: germline. Affected: yes.
Comment: This variant is considered likely benign or benign based on one or more of the following criteria: it is a conservative change, it occurs at a poorly conserved position in the protein, it is predicted to be benign by multiple in silico algorithms, and/or has population frequency not consistent with disease.

Department of Pathology and Laboratory Medicine, Sinai Health System
Classification: Uncertain significance. Review status: no assertion criteria provided. Collection method: clinical testing. Allele origin: unknown. Affected: yes. Study: The Canadian Open Genetics Repository (COGR). Not counted in ClinVar's aggregate classification.
Comment: The CTSD p.Thr98Thr variant was not identified in the literature but was identified in dbSNP (ID: rs369373285) and ClinVar (classified as benign by GeneDx and uncertain significance by Invitae). The variant was identified in control databases in 22 of 281814 chromosomes at a frequency of 0.00007807 (Genome Aggregation Database March 6, 2019, v2.1.1). The variant was observed in the following populations: European (non-Finnish) in 21 of 128398 chromosomes (freq: 0.000164) and African in 1 of 24862 chromosomes (freq: 0.00004), but was not observed in the Latino, Ashkenazi Jewish, East Asian, European (Finnish), Other, or South Asian populations. The p.Thr98Thr variant is not expected to have clinical significance because it does not result in a change of amino acid and is not located in a known consensus splice site. However, 4 of 4 in silico or computational prediction software programs (SpliceSiteFinder, MaxEntScan, NNSPLICE, GeneSplicer) predict a greater than 10% difference in splicing and the creation of a new 3' splice site. However, this has not been confirmed by RNA analysis and is not predictive enough to assume pathogenicity. In summary, based on the above information the clinical significance of this variant cannot be determined with certainty at this time. This variant is classified as a variant of uncertain significance.

NM_001909.5(CTSD):c.294G>A (p.Thr98=)

Gene: CTSD (cathepsin D; minus strand). Cytogenetic location: 11p15.5.
Variant type: single nucleotide variant.
Coding change: c.294G>A on transcript NM_001909.5 (MANE Select); coding-DNA position 294, G replaced by A.
Protein change: p.Thr98=; no amino-acid change (threonine 98 retained).
Molecular consequence: synonymous variant.
Genome position (GRCh38, 1-based): chr11:1,759,574, C>T on the plus strand (G>A on the coding strand, the complement: CTSD is on the minus strand). VCF-style: chr11-1759574-C-T. GRCh37 (hg19) VCF-style: chr11-1780804-C-T.
Other names: p.T98T:ACG>ACA.
Identifiers: ClinVar variation 137053 (VCV000137053.9), dbSNP rs369373285, ClinGen allele CA290546.